The following is an entry in ClinVar:

ClinVar aggregate classification (germline): Uncertain significance (1 of 4 stars; one submission).

Submission:

Labcorp Genetics (formerly Invitae), Labcorp
Classification: Uncertain significance. Last evaluated: 2023-03-26. Review status: criteria provided, single submitter. Criteria: Invitae Variant Classification Sherloc (09022015). Collection method: clinical testing. Allele origin: germline.
Comment: This sequence change replaces alanine, which is neutral and non-polar, with serine, which is neutral and polar, at codon 385 of the GATA5 protein (p.Ala385Ser). This variant is not present in population databases (gnomAD no frequency). This variant has not been reported in the literature in individuals affected with GATA5-related conditions. An algorithm developed to predict the effect of missense changes on protein structure and function (PolyPhen-2) suggests that this variant is likely to be tolerated. In summary, the available evidence is currently insufficient to determine the role of this variant in disease. Therefore, it has been classified as a Variant of Uncertain Significance.

NM_080473.5(GATA5):c.1153G>T (p.Ala385Ser)

Gene: GATA5 (GATA binding protein 5; minus strand). Cytogenetic location: 20q13.33.
Variant type: single nucleotide variant.
Coding change: c.1153G>T on transcript NM_080473.5 (MANE Select); coding-DNA position 1153, G replaced by T.
Protein change: p.Ala385Ser; replaces alanine 385 with serine.
Molecular consequence: missense variant.
Genome position (GRCh38, 1-based): chr20:62,464,877, C>A on the plus strand (G>T on the coding strand, the complement: GATA5 is on the minus strand). VCF-style: chr20-62464877-C-A. GRCh37 (hg19) VCF-style: chr20-61039933-C-A.
Other names: short protein forms A385S.
Identifiers: ClinVar variation 2713656 (VCV002713656.3), dbSNP rs781950321, ClinGen allele CA409551631.